The following is an entry in ClinVar:

ClinVar aggregate classification (germline): Likely benign (1 of 4 stars; one submission).

Submission:

CeGaT Center for Human Genetics Tuebingen
Classification: Likely benign. Last evaluated: 2026-05-01. Review status: criteria provided, single submitter. Criteria: CeGaT Center For Human Genetics Tuebingen Variant Classification Criteria Version 2. Collection method: clinical testing. Allele origin: germline. Affected: yes. Observed: 4 variant alleles.
Comment: AC187652.1: BP4, BP7

NC_000007.14:g.263666C>T

Variant type: single nucleotide variant.
Genome position: GRCh38 VCF-style: chr7-263666-C-T. GRCh37 (hg19) VCF-style: chr7-303632-C-T.
Identifiers: ClinVar variation 2657167 (VCV002657167.23), dbSNP rs1330255912, ClinGen allele CA453328530.